The following is an entry in ClinVar:

NM_007294.4(BRCA1):c.5161C>A (p.Gln1721Lys)

Gene: BRCA1 (BRCA1 DNA repair associated; minus strand). Cytogenetic location: 17q21.31.
Variant type: single nucleotide variant.
Coding change: c.5161C>A on transcript NM_007294.4 (MANE Select); coding-DNA position 5161, C replaced by A.
Protein change: p.Gln1721Lys; replaces glutamine 1721 with lysine.
Molecular consequence: missense variant. On other transcripts: non-coding transcript variant (1).
Genome position (GRCh38, 1-based): chr17:43,063,365, G>T on the plus strand (C>A on the coding strand, the complement: BRCA1 is on the minus strand). VCF-style: chr17-43063365-G-T. GRCh37 (hg19) VCF-style: chr17-41215382-G-T.
Other names: c.4948C>A, p.Gln1650Lys (NM_001407571.1, NM_001407900.1, NM_001407902.1 and 12 more transcripts); c.5227C>A, p.Gln1743Lys (NM_001407581.1, NM_001407582.1); c.5224C>A, p.Gln1742Lys (NM_001407583.1, NM_001407585.1, NM_001407587.1 and 1 more transcripts); c.5158C>A, p.Gln1720Lys (NM_001407610.1, NM_001407611.1, NM_001407612.1 and 17 more transcripts); c.5155C>A, p.Gln1719Lys (NM_001407629.1, NM_001407630.1, NM_001407631.1 and 14 more transcripts); c.5101C>A, p.Gln1701Lys (NM_001407649.1); c.5083C>A, p.Gln1695Lys (NM_001407652.1, NM_001407653.1, NM_001407654.1 and 1 more transcripts); c.5080C>A, p.Gln1694Lys (NM_001407656.1, NM_001407657.1, NM_001407658.1); and 72 more; short protein forms Q1674K, Q617K, Q1721K, Q1742K, Q1567K, Q1592K, Q1594K, Q1633K.
Identifiers: ClinVar variation 867753 (VCV000867753.3), dbSNP rs878854957, ClinGen allele CA10591223.

Conditions:
Breast-ovarian cancer, familial, susceptibility to, 1 (BROVCA1). Also called: BRCA1 Hereditary Breast and Ovarian Cancer; OVARIAN CANCER, SUSCEPTIBILITY TO. Identifiers: Orphanet 145, MedGen C2676676, MONDO:0011450, OMIM 604370. Disease mechanism: loss of function.

Submission:

Brotman Baty Institute, University of Washington
No classification provided (evidence only). Condition: Breast-ovarian cancer, familial 1. Review status: no classification provided. Collection method: in vitro. Allele origin: not applicable. Functional consequence: functionally_normal.
ClinVar note: "not provided" was previously submitted as the classification for the variant. However, the classification appeared to be based only on an observation of functional data so it was converted to no classification on 2025-07-30.